The following is an entry in ClinVar:

ClinVar aggregate classification (germline): Conflicting classifications of pathogenicity. Review status: criteria provided, conflicting classifications (1 of 4 stars). 3 submissions from 3 submitters: Uncertain significance (2); Likely benign (1). Last evaluated 2025-05-24.

Conditions:
Charcot-Marie-Tooth disease axonal type 2O. Also called: CHARCOT-MARIE-TOOTH NEUROPATHY, AXONAL, TYPE 2O; CHARCOT-MARIE-TOOTH DISEASE, AXONAL, AUTOSOMAL DOMINANT, TYPE 2O; Charcot-Marie-Tooth disease, axonal, type 20; Charcot-Marie-Tooth Neuropathy Type 2O. Identifiers: Orphanet 284232, MedGen C3280220, MONDO:0013644, OMIM 614228.

Allele frequency attached by ClinVar (database versions not stated): gnomAD 0.00001; gnomAD exomes 0.00001; TOPMed 0.00001; ExAC 0.00002.
gnomAD v4.1: 34 of 1,614,098 alleles (0.0021%); highest among the groups gnomAD compares: South Asian, 0.0033%; no homozygotes.

Submissions (3):

Labcorp Genetics (formerly Invitae), Labcorp
Classification: Likely benign for Charcot-Marie-Tooth disease axonal type 2O. Last evaluated: 2025-05-24. Review status: criteria provided, single submitter. Criteria: Invitae Variant Classification Sherloc (09022015). Collection method: clinical testing. Allele origin: germline.

Revvity Omics, Revvity
Classification: Uncertain significance. Last evaluated: 2021-10-13. Review status: criteria provided, single submitter. Criteria: ACMG Guidelines, 2015. Collection method: clinical testing. Allele origin: germline.

GeneDx
Classification: Uncertain significance. Last evaluated: 2019-09-23. Review status: criteria provided, single submitter. Criteria: GeneDx Variant Classification Process June 2021. Collection method: clinical testing. Allele origin: germline. Affected: yes.
Comment: Not observed at a significant frequency in large population cohorts (Lek et al., 2016); In silico analysis, which includes protein predictors and evolutionary conservation, supports that this variant does not alter protein structure/function; Has not been previously published as pathogenic or benign to our knowledge

NM_001376.5(DYNC1H1):c.7586C>T (p.Ala2529Val)

Gene: DYNC1H1 (dynein cytoplasmic 1 heavy chain 1; plus strand). Cytogenetic location: 14q32.31.
Variant type: single nucleotide variant.
Coding change: c.7586C>T on transcript NM_001376.5 (MANE Select); coding-DNA position 7586, C replaced by T.
Protein change: p.Ala2529Val; replaces alanine 2529 with valine.
Molecular consequence: missense variant.
Genome position (GRCh38, 1-based): chr14:102,016,461, C>T. VCF-style: chr14-102016461-C-T. GRCh37 (hg19) VCF-style: chr14-102482798-C-T.
Other names: short protein forms A2529V.
Identifiers: ClinVar variation 1312310 (VCV001312310.12), dbSNP rs746209887, ClinGen allele CA7352843.
Genomic context (GRCh38, chr14:102,016,461, plus strand): 5'-AAATGAGAGCAGAGCTGGGTGAATACATCAGAAGAATCACGACCGTGCCTCTGCCCACTG[C>T]GCCCAACATACCCATTATCGATTATGAGGTGAGCATGCAGCTACCACCCGTGTTTCTGAT-3'
Protein context (NP_001367.2, residues 2519-2539): RRITTVPLPT[Ala2529Val]PNIPIIDYEV